The following is an entry in ClinVar:

ClinVar aggregate classification (germline): Uncertain significance. Review status: criteria provided, single submitter (1 of 4 stars). 2 submissions from 2 submitters: Uncertain significance (1). 1 of the submissions does not count toward it. Last evaluated 2022-03-19.

Conditions:
Congenital neutropenia-myelofibrosis-nephromegaly syndrome. Also called: Severe congenital neutropenia 5, autosomal recessive. Identifiers: Orphanet 369852, MedGen C3809031, MONDO:0014118, OMIM 615285.

Allele frequency attached by ClinVar (database versions not stated): TOPMed below 0.00001.

Submissions (2):

Labcorp Genetics (formerly Invitae), Labcorp
Classification: Uncertain significance for Congenital neutropenia-myelofibrosis-nephromegaly syndrome. Last evaluated: 2022-03-19. Review status: criteria provided, single submitter. Criteria: Invitae Variant Classification Sherloc (09022015). Collection method: clinical testing. Allele origin: germline.
Comment: In summary, the available evidence is currently insufficient to determine the role of this variant in disease. Therefore, it has been classified as a Variant of Uncertain Significance. Algorithms developed to predict the effect of missense changes on protein structure and function (SIFT, PolyPhen-2, Align-GVGD) all suggest that this variant is likely to be tolerated. ClinVar contains an entry for this variant (Variation ID: 991391). This variant has not been reported in the literature in individuals affected with VPS45-related conditions. This variant is not present in population databases (gnomAD no frequency). This sequence change replaces glutamine, which is neutral and polar, with arginine, which is basic and polar, at codon 58 of the VPS45 protein (p.Gln58Arg).

Natera, Inc.
Classification: Uncertain significance for Autosomal recessive severe congenital neutropenia 5. Last evaluated: 2020-08-15. Review status: no assertion criteria provided. Collection method: clinical testing. Allele origin: germline. Not counted in ClinVar's aggregate classification.

NM_007259.5(VPS45):c.173A>G (p.Gln58Arg)

Gene: VPS45 (vacuolar protein sorting 45 homolog; plus strand). Cytogenetic location: 1q21.2.
Variant type: single nucleotide variant.
Coding change: c.173A>G on transcript NM_007259.5 (MANE Select); coding-DNA position 173, A replaced by G.
Protein change: p.Gln58Arg; replaces glutamine 58 with arginine.
Molecular consequence: missense variant. On other transcripts: non-coding transcript variant (1).
Genome position (GRCh38, 1-based): chr1:150,068,709, A>G. VCF-style: chr1-150068709-A-G. GRCh37 (hg19) VCF-style: chr1-150040766-A-G.
Other names: c.65A>G, p.Gln22Arg (NM_001279353.2, NM_001279354.2); short protein forms Q22R, Q58R.
Identifiers: ClinVar variation 991391 (VCV000991391.5), dbSNP rs1654862605, ClinGen allele CA342258743.
Genomic context (GRCh38, chr1:150,068,709, plus strand): 5'-TATACACACAATCGGAGATTCTACAGAAGGAAGTGTACCTCTTTGAACGCATTGATTCTC[A>G]AAATCGAGAGATCATGAAACACCTGAAGGCAATTTGTTTTCTTCGACCTACAAAGGTACT-3'
Protein context (NP_009190.2, residues 48-68): EVYLFERIDS[Gln58Arg]NREIMKHLKA